The following is an entry in ClinVar:

NM_000093.5(COL5A1):c.4628del (p.Gly1543fs)

Genes: COL5A1 (collagen type V alpha 1 chain; plus strand), LOC101448202 (uncharacterized LOC101448202; minus strand). Cytogenetic location: 9q34.3.
Variant type: Deletion.
Coding change: c.4628del on transcript NM_000093.5 (MANE Select); coding-DNA position 4628, one base deleted (G; older notation c.4628delG).
Protein change: p.Gly1543fs; shifts the reading frame from glycine 1543.
Molecular consequence: frameshift variant.
Genome position (GRCh38, 1-based): chr9:134,823,017, G deleted; the last of 2 consecutive G bases (chr9:134,823,016-134,823,017); deleting either gives the same sequence. VCF-style (leftmost placement, unchanged base first): chr9-134823015-AG-A. GRCh37 (hg19) VCF-style: chr9-137714861-AG-A.
Other names: c.4628del, p.Gly1543fs (NM_001278074.1); short protein forms G1543fs.
Identifiers: ClinVar variation 847820 (VCV000847820.9), dbSNP rs1839084095, ClinGen allele CA916083079.

ClinVar aggregate classification (germline): Pathogenic (1 of 4 stars; one submission).

Conditions:
Ehlers-Danlos syndrome, classic type, 1 (EDSCL1). Also called: Ehlers-Danlos syndrome, type 1; Ehlers-Danlos Syndrome, Classic Type, COL5A1-Related; EDS I; EHLERS-DANLOS SYNDROME, GRAVIS TYPE; EHLERS-DANLOS SYNDROME, SEVERE CLASSIC TYPE. Identifiers: MedGen C0268335, MONDO:0019567, OMIM 130000.

Submission:

Labcorp Genetics (formerly Invitae), Labcorp
Classification: Pathogenic for Ehlers-Danlos syndrome, classic type, 1. Last evaluated: 2019-12-11. Review status: criteria provided, single submitter. Criteria: Invitae Variant Classification Sherloc (09022015). Collection method: clinical testing. Allele origin: germline.
Comment: This variant is not present in population databases (ExAC no frequency). This sequence change creates a premature translational stop signal (p.Gly1543Valfs*76) in the COL5A1 gene. It is expected to result in an absent or disrupted protein product. This variant has not been reported in the literature in individuals with COL5A1-related conditions. Loss-of-function variants in COL5A1 are known to be pathogenic (PMID: 23587214). For these reasons, this variant has been classified as Pathogenic.

Literature cited by the submitters: PubMed 23587214.